The following is an entry in ClinVar:

ClinVar aggregate classification (germline): Pathogenic (1 of 4 stars; one submission).

Submission:

Labcorp Genetics (formerly Invitae), Labcorp
Classification: Pathogenic. Last evaluated: 2020-12-28. Review status: criteria provided, single submitter. Criteria: Invitae Variant Classification Sherloc (09022015). Collection method: clinical testing. Allele origin: germline.
Comment: This variant has not been reported in the literature in individuals with ARID1B-related conditions. This variant is not present in population databases (ExAC no frequency). This sequence change creates a premature translational stop signal (p.Gln628*) in the ARID1B gene. It is expected to result in an absent or disrupted protein product. Loss-of-function variants in ARID1B are known to be pathogenic (PMID: 25674384, 30349098). For these reasons, this variant has been classified as Pathogenic.

Literature cited by the submitters: PubMed 25674384; PubMed 30349098.

NM_001374828.1(ARID1B):c.2092C>T (p.Gln698Ter)

Gene: ARID1B (AT-rich interaction domain 1B; plus strand). Cytogenetic location: 6q25.3.
Variant type: single nucleotide variant.
Coding change: c.2092C>T on transcript NM_001374828.1 (MANE Select); coding-DNA position 2092, C replaced by T.
Protein change: p.Gln698Ter; replaces glutamine 698 with a stop codon.
Molecular consequence: nonsense.
Genome position (GRCh38, 1-based): chr6:156,901,481, C>T. VCF-style: chr6-156901481-C-T. GRCh37 (hg19) VCF-style: chr6-157222615-C-T.
Other names: c.2131C>T, p.Gln711Ter (NM_001371656.1, NM_001374820.1); c.2092C>T, p.Gln698Ter (NM_017519.3); short protein forms Q698*, Q711*.
Identifiers: ClinVar variation 1387047 (VCV001387047.6), dbSNP rs1554265306, ClinGen allele CA366380836.